The following is an entry in ClinVar:

NM_001267550.2(TTN):c.85811del (p.Pro28604fs)

Genes: TTN (titin; minus strand), TTN-AS1 (TTN antisense RNA 1; plus strand). Cytogenetic location: 2q31.2.
Variant type: Deletion.
Coding change: c.85811del on transcript NM_001267550.2 (MANE Select); coding-DNA position 85811, one base deleted (C; older notation c.85811delC).
Protein change: p.Pro28604fs; shifts the reading frame from proline 28604.
Molecular consequence: frameshift variant.
Genome position (GRCh38, 1-based): chr2:178,560,321, G deleted on the plus strand (C on the coding strand, the reverse complement: TTN is on the minus strand); the first of 2 consecutive G bases (chr2:178,560,321-178,560,322); deleting either gives the same sequence. VCF-style (leftmost placement, unchanged base first): chr2-178560320-TG-T. GRCh37 (hg19) VCF-style: chr2-179425047-TG-T.
Other names: c.80888del, p.Pro26963fs (NM_001256850.1); c.58616del, p.Pro19539fs (NM_003319.4); c.78107del, p.Pro26036fs (NM_133378.4); c.58991del, p.Pro19664fs (NM_133432.3); c.59192del, p.Pro19731fs (NM_133437.4); short protein forms P19539fs, P19664fs, P26036fs, P28604fs, P26963fs, P19731fs.
Identifiers: ClinVar variation 2135746 (VCV002135746.4), dbSNP rs2469652289, ClinGen allele CA2580064865.

ClinVar aggregate classification (germline): Likely pathogenic (1 of 4 stars; one submission).

Conditions:
Dilated cardiomyopathy 1G (CMD1G). Identifiers: Orphanet 154, MedGen C1858763, MONDO:0011400, OMIM 604145.
Autosomal recessive limb-girdle muscular dystrophy type 2J (LGMDR10). Also called: MUSCULAR DYSTROPHY, LIMB-GIRDLE, AUTOSOMAL RECESSIVE 10; Limb-girdle muscular dystrophy, type 2J. Identifiers: Orphanet 140922, MedGen C1837342, MONDO:0012127, OMIM 608807.

Submission:

Labcorp Genetics (formerly Invitae), Labcorp
Classification: Likely pathogenic for Dilated cardiomyopathy 1G; Autosomal recessive limb-girdle muscular dystrophy type 2J. Last evaluated: 2022-05-09. Review status: criteria provided, single submitter. Criteria: Invitae Variant Classification Sherloc (09022015). Collection method: clinical testing. Allele origin: germline.
Comment: In summary, the currently available evidence indicates that the variant is pathogenic, but additional data are needed to prove that conclusively. Therefore, this variant has been classified as Likely Pathogenic. This variant is located in the A band of TTN (PMID: 25589632). Truncating variants in this region are significantly overrepresented in patients affected with dilated cardiomyopathy (PMID: 25589632). Truncating variants in this region have also been reported in individuals affected with autosomal recessive centronuclear myopathy (PMID: 23975875). This variant has not been reported in the literature in individuals affected with TTN-related conditions. This variant is not present in population databases (gnomAD no frequency). This sequence change creates a premature translational stop signal (p.Pro28604Glnfs*5) in the TTN gene. It is expected to disrupt RNA splicing and likely results in a truncated or disrupted TTN protein.

Literature cited by the submitters: PubMed 25589632; PubMed 23975875.